The following is an entry in ClinVar:

NM_002225.5(IVD):c.456G>A (p.Lys152=)

Gene: IVD (isovaleryl-CoA dehydrogenase; plus strand). Cytogenetic location: 15q15.1.
Variant type: single nucleotide variant.
Coding change: c.456G>A on transcript NM_002225.5 (MANE Select); coding-DNA position 456, G replaced by A.
Protein change: p.Lys152=; no amino-acid change (lysine 152 retained).
Molecular consequence: synonymous variant. On other transcripts: non-coding transcript variant (1).
Genome position (GRCh38, 1-based): chr15:40,410,797, G>A. VCF-style: chr15-40410797-G-A. GRCh37 (hg19) VCF-style: chr15-40702996-G-A.
Other names: c.366G>A, p.Lys122= (NM_001159508.3); c.408G>A, p.Lys136= (NM_001354597.3); c.456G>A, p.Lys152= (NM_001354598.3, NM_001354601.3); c.543G>A, p.Lys181= (NM_001354599.3, NM_001354600.3).
Identifiers: ClinVar variation 289203 (VCV000289203.11), dbSNP rs886044117, ClinGen allele CA10606368.
Genomic context (GRCh38, chr15:40,410,797, plus strand): 5'-CTGCATCAACCAGCTTGTACGCAATGGGAATGAGGCCCAGAAAGAGAAGTATCTCCCGAA[G>A]GTGAGGAAATGGAAATGTAATACACGCTAATCTCACAGTGCAACCACCAACTAAAAGATA-3'
Protein context (NP_002216.3, residues 142-162): NEAQKEKYLP[Lys152=]LISGEYIGAL

ClinVar aggregate classification (germline): Uncertain significance. Review status: criteria provided, multiple submitters, no conflicts (2 of 4 stars). 3 submissions from 3 submitters: Uncertain significance (2). 1 of the submissions does not count toward it. Last evaluated 2024-01-29.

Conditions:
Isovaleryl-CoA dehydrogenase deficiency (IVA). Also called: ISOVALERIC ACID CoA DEHYDROGENASE DEFICIENCY; IVD DEFICIENCY; Isovaleric acidemia; Classic Isovaleric Acidemia. Identifiers: Orphanet 33, MedGen C0268575, MONDO:0009475, OMIM 243500.

Allele frequency attached by ClinVar (database versions not stated): gnomAD exomes below 0.00001; gnomAD 0.00001; TOPMed 0.00001.
gnomAD v4.1: 4 of 1,613,962 alleles (0.00025%); highest among the groups gnomAD compares: African/African-American, 0.0053%; no homozygotes.

Submissions (3):

Labcorp Genetics (formerly Invitae), Labcorp
Classification: Uncertain significance for Isovaleryl-CoA dehydrogenase deficiency. Last evaluated: 2024-01-29. Review status: criteria provided, single submitter. Criteria: Invitae Variant Classification Sherloc (09022015). Collection method: clinical testing. Allele origin: germline.
Comment: This sequence change affects codon 155 of the IVD mRNA. It is a 'silent' change, meaning that it does not change the encoded amino acid sequence of the IVD protein. This variant also falls at the last nucleotide of exon 4, which is part of the consensus splice site for this exon. This variant is present in population databases (no rsID available, gnomAD 0.008%). This variant has not been reported in the literature in individuals affected with IVD-related conditions. ClinVar contains an entry for this variant (Variation ID: 289203). Variants that disrupt the consensus splice site are a relatively common cause of aberrant splicing (PMID: 17576681, 9536098). Algorithms developed to predict the effect of sequence changes on RNA splicing suggest that this variant may disrupt the consensus splice site. In summary, the available evidence is currently insufficient to determine the role of this variant in disease. Therefore, it has been classified as a Variant of Uncertain Significance.

Eurofins Ntd Llc (ga)
Classification: Uncertain significance. Last evaluated: 2016-07-14. Review status: criteria provided, single submitter. Criteria: EGL Classification Definitions 2015. Collection method: clinical testing. Allele origin: germline. Observed: 1 variant allele, 1 heterozygote.

Natera, Inc.
Classification: Uncertain significance for Isovaleryl-coa dehydrogenase deficiency. Last evaluated: 2020-09-16. Review status: no assertion criteria provided. Collection method: clinical testing. Allele origin: germline. Not counted in ClinVar's aggregate classification.

Literature cited by the submitters: PubMed 17576681 (cited by Labcorp Genetics (formerly Invitae), Labcorp); PubMed 9536098 (cited by Labcorp Genetics (formerly Invitae), Labcorp).